The following is an entry in ClinVar:

ClinVar aggregate classification (germline): Uncertain significance (1 of 4 stars; one submission).

Conditions:
Cardiovascular phenotype. Identifiers: MedGen CN230736.

gnomAD v4.1: 5 of 1,614,058 alleles (0.00031%); no homozygotes.

Submission:

Ambry Genetics
Classification: Uncertain significance for Cardiovascular phenotype. Last evaluated: 2024-01-22. Review status: criteria provided, single submitter. Criteria: Ambry Variant Classification Scheme 2023. Collection method: clinical testing. Allele origin: germline.
Comment: The p.N67T variant (also known as c.200A>C), located in coding exon 2 of the BAG3 gene, results from an A to C substitution at nucleotide position 200. The asparagine at codon 67 is replaced by threonine, an amino acid with similar properties. This amino acid position is highly conserved in available vertebrate species. In addition, the in silico prediction for this alteration is inconclusive. Based on the available evidence, the clinical significance of this alteration remains unclear.

NM_004281.4(BAG3):c.200A>C (p.Asn67Thr)

Gene: BAG3 (BAG cochaperone 3; plus strand). Cytogenetic location: 10q26.11.
Variant type: single nucleotide variant.
Coding change: c.200A>C on transcript NM_004281.4 (MANE Select); coding-DNA position 200, A replaced by C.
Protein change: p.Asn67Thr; replaces asparagine 67 with threonine.
Molecular consequence: missense variant.
Genome position (GRCh38, 1-based): chr10:119,669,870, A>C. VCF-style: chr10-119669870-A-C. GRCh37 (hg19) VCF-style: chr10-121429382-A-C.
Other names: short protein forms N67T.
Identifiers: ClinVar variation 3223772 (VCV003223772.1), dbSNP rs572036022, ClinGen allele CA5716264.